The following is an entry in ClinVar:

NM_003072.5(SMARCA4):c.4708_4709del (p.Asp1569_Ser1570insTer)

Gene: SMARCA4 (SWI/SNF related BAF chromatin remodeling complex subunit ATPase 4; plus strand). Cytogenetic location: 19p13.2.
Variant type: Deletion.
Coding change: c.4708_4709del on transcript NM_003072.5 (MANE Select); coding-DNA positions 4708 to 4709, 2 bases deleted (AG; older notation c.4708_4709delAG).
Protein change: p.Asp1569_Ser1570insTer.
Molecular consequence: nonsense. On other transcripts: non-coding transcript variant (1).
Genome position (GRCh38, 1-based): chr19:11,059,825-11,059,826, AG deleted. VCF-style (leftmost placement, unchanged base first): chr19-11059824-CAG-C. GRCh37 (hg19) VCF-style: chr19-11170500-CAG-C.
Other names: c.4708_4709del, p.Asp1569_Ser1570insTer (NM_001128844.3); c.4618_4619del, p.Asp1539_Ser1540insTer (NM_001128845.2); c.4615_4616del, p.Asp1538_Ser1539insTer (NM_001128846.2); c.4609_4610del, p.Asp1536_Ser1537insTer (NM_001128847.4, NM_001374457.1); c.4606_4607del, p.Asp1535_Ser1536insTer (NM_001128848.2); c.4804_4805del, p.Asp1601_Ser1602insTer (NM_001128849.3, NM_001387283.1); c.4705_4706del, p.Asp1568_Ser1569insTer (NM_001411150.1).
Identifiers: ClinVar variation 4728878 (VCV004728878.1).

ClinVar aggregate classification (germline): Pathogenic (1 of 4 stars; one submission).

Conditions:
Rhabdoid tumor predisposition syndrome 2 (RTPS2). Identifiers: Orphanet 231108, Orphanet 69077, MedGen C2750074, MONDO:0013224, OMIM 613325.

Submission:

Labcorp Genetics (formerly Invitae), Labcorp
Classification: Pathogenic for Rhabdoid tumor predisposition syndrome 2. Last evaluated: 2025-10-09. Review status: criteria provided, single submitter. Criteria: Invitae Variant Classification Sherloc (09022015). Collection method: clinical testing. Allele origin: germline.
Comment: This sequence change creates a premature translational stop signal (p.Ser1602*) in the SMARCA4 gene. It is expected to result in an absent or disrupted protein product. Loss-of-function variants in SMARCA4 are known to be pathogenic (PMID: 24658001, 24658002). This variant is not present in population databases (gnomAD no frequency). This variant has not been reported in the literature in individuals affected with SMARCA4-related conditions. For these reasons, this variant has been classified as Pathogenic.

Literature cited by the submitters: PubMed 24658001; PubMed 24658002.